The following is an entry in ClinVar:

ClinVar aggregate classification (germline): Conflicting classifications of pathogenicity. Review status: criteria provided, conflicting classifications (1 of 4 stars). 4 submissions from 4 submitters: Uncertain significance (1); Benign (1); Likely benign (2). Last evaluated 2026-01-19.

Conditions:
Mitochondrial complex IV deficiency, nuclear type 1 (MC4DN1). Also called: Mitochondrial complex IV deficiency; Complex 4 mitochondrial respiratory chain deficiency; Deficiency of mitochondrial respiratory chain complex4; Complex IV deficiency; COX DEFICIENCY. Identifiers: MedGen C5435656, MONDO:0700250, OMIM 220110. Disease mechanism: loss of function.

Allele frequency attached by ClinVar (database versions not stated): TOPMed 0.00011; ESP Exome Variant Server 0.00015; 1000 Genomes Project 30x 0.00016; 1000 Genomes Project 0.00020; gnomAD 0.00029; gnomAD exomes 0.00046; ExAC 0.00048.
gnomAD v4.1: 440 of 1,604,328 alleles (0.027%); highest among the groups gnomAD compares: South Asian, 0.33%; 5 homozygotes.

Submissions (4):

Labcorp Genetics (formerly Invitae), Labcorp
Classification: Benign. Last evaluated: 2026-01-19. Review status: criteria provided, single submitter. Criteria: Invitae Variant Classification Sherloc (09022015). Collection method: clinical testing. Allele origin: germline.

CeGaT Center for Human Genetics Tuebingen
Classification: Likely benign. Last evaluated: 2022-04-01. Review status: criteria provided, single submitter. Criteria: CeGaT Center For Human Genetics Tuebingen Variant Classification Criteria Version 2. Collection method: clinical testing. Allele origin: germline. Affected: yes. Observed: 1 variant allele.
Comment: FASTKD2: BP4, BP7

GeneDx
Classification: Likely benign. Last evaluated: 2018-07-25. Review status: criteria provided, single submitter. Criteria: GeneDx Variant Classification Process June 2021. Collection method: clinical testing. Allele origin: germline. Affected: yes.

Illumina Laboratory Services, Illumina
Classification: Uncertain significance for Mitochondrial complex IV deficiency, nuclear type 1. Last evaluated: 2018-01-13. Review status: criteria provided, single submitter. Criteria: ICSL Variant Classification Criteria 13 December 2019. Collection method: clinical testing. Allele origin: germline.

NM_001136193.2(FASTKD2):c.1389C>T (p.Tyr463=)

Gene: FASTKD2 (FASTK mitochondrial RNA regulator 2; plus strand). Cytogenetic location: 2q33.3.
Variant type: single nucleotide variant.
Coding change: c.1389C>T on transcript NM_001136193.2 (MANE Select); coding-DNA position 1389, C replaced by T.
Protein change: p.Tyr463=; no amino-acid change (tyrosine 463 retained).
Molecular consequence: synonymous variant.
Genome position (GRCh38, 1-based): chr2:206,774,359, C>T. VCF-style: chr2-206774359-C-T. GRCh37 (hg19) VCF-style: chr2-207639083-C-T.
Other names: c.1389C>T, p.Tyr463= (NM_001136194.2, NM_014929.4).
Identifiers: ClinVar variation 391796 (VCV000391796.38), dbSNP rs200425724, ClinGen allele CA2075135.